The following is an entry in ClinVar:

ClinVar aggregate classification (germline): Uncertain significance. Review status: criteria provided, multiple submitters, no conflicts (2 of 4 stars). 2 submissions from 2 submitters: Uncertain significance (2). Last evaluated 2024-12-21.

Conditions:
Pancreatic adenocarcinoma. Identifiers: MedGen C0281361, MONDO:0006047, HP:0006725.

Allele frequency attached by ClinVar (database versions not stated): gnomAD exomes below 0.00001 and 0.00001; TOPMed below 0.00001; gnomAD 0.00001.
gnomAD v4.1: 6 of 1,537,090 alleles (0.00039%); highest among the groups gnomAD compares: African/African-American, 0.0041%; no homozygotes.

Submissions (2):

Ambry Genetics
Classification: Uncertain significance. Last evaluated: 2024-12-21. Review status: criteria provided, single submitter. Criteria: Ambry Variant Classification Scheme 2023. Collection method: clinical testing. Allele origin: germline.
Comment: The p.A650V variant (also known as c.1949C>T), located in coding exon 11 of the PALLD gene, results from a C to T substitution at nucleotide position 1949. The alanine at codon 650 is replaced by valine, an amino acid with similar properties. This amino acid position is conserved. In addition, the in silico prediction for this alteration is inconclusive. Based on the available evidence, the clinical significance of this variant remains unclear.

Labcorp Genetics (formerly Invitae), Labcorp
Classification: Uncertain significance for Pancreatic adenocarcinoma. Last evaluated: 2023-03-14. Review status: criteria provided, single submitter. Criteria: Invitae Variant Classification Sherloc (09022015). Collection method: clinical testing. Allele origin: germline.
Comment: This sequence change replaces alanine, which is neutral and non-polar, with valine, which is neutral and non-polar, at codon 650 of the PALLD protein (p.Ala650Val). The frequency data for this variant in the population databases is considered unreliable, as metrics indicate poor data quality at this position in the gnomAD database. In summary, the available evidence is currently insufficient to determine the role of this variant in disease. Therefore, it has been classified as a Variant of Uncertain Significance. An algorithm developed to predict the effect of missense changes on protein structure and function (PolyPhen-2) suggests that this variant is likely to be tolerated. ClinVar contains an entry for this variant (Variation ID: 1039613). This variant has not been reported in the literature in individuals affected with PALLD-related conditions.

NM_001166108.2(PALLD):c.*135C>T

Genes: CBR4 (carbonyl reductase 4; minus strand), PALLD (palladin, cytoskeletal associated protein; plus strand). Cytogenetic location: 4q32.3.
Variant type: single nucleotide variant.
Coding change: c.*135C>T on transcript NM_001166108.2 (MANE Select); 135 bases downstream of the stop codon, C replaced by T.
Molecular consequence: 3 prime UTR variant. On other transcripts: missense variant (4).
Genome position (GRCh38, 1-based): chr4:168,926,315, C>T. VCF-style: chr4-168926315-C-T. GRCh37 (hg19) VCF-style: chr4-169847466-C-T.
Other names: c.1949C>T (NM_001166110.1); c.2264C>T, p.Ala755Val (NM_001166109.2); c.1949C>T, p.Ala650Val (NM_001166110.2); c.*135C>T (NM_001367567.1, NM_001367570.1, NM_016081.4); c.1340C>T, p.Ala447Val (NM_001367568.1); c.1289C>T, p.Ala430Val (NM_001367569.1); short protein forms A447V, A650V, A430V, A755V.
Identifiers: ClinVar variation 1039613 (VCV001039613.9), dbSNP rs1314886283, ClinGen allele CA358716342.
Genomic context (GRCh38, chr4:168,926,315, plus strand): 5'-TACGGCCCTCAGCCAGTCGCTATGCAGCACTTTCGGACCAGGGACTAGACATCAAAGCAG[C>T]GTTCCAACCTGAGGCCAACCCATCTCACCTGACACTGAATACTGCCTTGGTAGAAAGTGA-3'